The following is an entry in ClinVar:

NM_002180.3(IGHMBP2):c.1493T>C (p.Leu498Pro)

Gene: IGHMBP2 (immunoglobulin mu DNA binding protein 2; plus strand). Cytogenetic location: 11q13.3.
Variant type: single nucleotide variant.
Coding change: c.1493T>C on transcript NM_002180.3 (MANE Select); coding-DNA position 1493, T replaced by C.
Protein change: p.Leu498Pro; replaces leucine 498 with proline.
Molecular consequence: missense variant.
Genome position (GRCh38, 1-based): chr11:68,933,869, T>C. VCF-style: chr11-68933869-T-C. GRCh37 (hg19) VCF-style: chr11-68701337-T-C.
Other names: short protein forms L498P.
Identifiers: ClinVar variation 1697207 (VCV001697207.3), dbSNP rs2154008654, ClinGen allele CA381650093.
Genomic context (GRCh38, chr11:68,933,869, plus strand): 5'-TGGCTGCCACAGAAGAGACGGGTGTGCCCCTGCTCTTGGTGGACACCGCCGGCTGCGGGC[T>C]GTTTGAGCTGGAGGAGGAGGACGAACAGTCGAAAGGGAACCCTGGTGAGCTTGCTTGCAG-3'
Protein context (NP_002171.2, residues 488-508): LLLVDTAGCG[Leu498Pro]FELEEEDEQS

ClinVar aggregate classification (germline): Likely pathogenic (0 of 4 stars; one submission).

Conditions:
Autosomal recessive distal spinal muscular atrophy 1. Also called: HMN VI; Spinal muscular atrophy with respiratory distress 1; NEURONOPATHY, SEVERE INFANTILE AXONAL, WITH RESPIRATORY FAILURE; SEVERE INFANTILE AXONAL NEUROPATHY WITH RESPIRATORY FAILURE; SPINAL MUSCULAR ATROPHY, DIAPHRAGMATIC; NEURONOPATHY, DISTAL HEREDITARY MOTOR, HARDING TYPE VI. Identifiers: Orphanet 98920, MedGen C1858517, MONDO:0011436, OMIM 604320.

Submission:

Center for Human Genetics and Genomic Medicine, Uniklinik Rwth Aachen
Classification: Likely pathogenic for Autosomal recessive distal spinal muscular atrophy 1. Last evaluated: 2022-07-20. Review status: no assertion criteria provided. Collection method: clinical testing. Allele origin: biparental. Inheritance: Autosomal recessive inheritance. Affected: yes.
Comment: It is absent from population databases. It is therefore classified as likely pathogenic.